The following is an entry in ClinVar:

ClinVar aggregate classification (germline): Uncertain significance. Review status: criteria provided, multiple submitters, no conflicts (2 of 4 stars). 3 submissions from 3 submitters: Uncertain significance (3). Last evaluated 2024-03-21.

Conditions:
PLD1-related disorder. Also called: PLD1-related condition.

Allele frequency attached by ClinVar (database versions not stated): gnomAD exomes 0.00003; ExAC 0.00005; gnomAD 0.00007; TOPMed 0.00007.
gnomAD v4.1: 60 of 1,600,286 alleles (0.0037%); highest among the groups gnomAD compares: Admixed American, 0.03%; no homozygotes.

Submissions (3):

Labcorp Genetics (formerly Invitae), Labcorp
Classification: Uncertain significance. Last evaluated: 2024-03-21. Review status: criteria provided, single submitter. Criteria: Invitae Variant Classification Sherloc (09022015). Collection method: clinical testing. Allele origin: germline.
Comment: This sequence change replaces arginine, which is basic and polar, with cysteine, which is neutral and slightly polar, at codon 746 of the PLD1 protein (p.Arg746Cys). This variant is present in population databases (rs745485055, gnomAD 0.02%). This missense change has been observed in individual(s) with PLD1-related conditions (PMID: 33645542). ClinVar contains an entry for this variant (Variation ID: 2634209). Advanced modeling of protein sequence and biophysical properties (such as structural, functional, and spatial information, amino acid conservation, physicochemical variation, residue mobility, and thermodynamic stability) performed at Invitae indicates that this missense variant is expected to disrupt PLD1 protein function with a positive predictive value of 80%. In summary, the available evidence is currently insufficient to determine the role of this variant in disease. Therefore, it has been classified as a Variant of Uncertain Significance.

GeneDx
Classification: Uncertain significance. Last evaluated: 2023-08-10. Review status: criteria provided, single submitter. Criteria: GeneDx Variant Classification Process June 2021. Collection method: clinical testing. Allele origin: germline. Affected: yes.
Comment: In silico analysis supports that this missense variant has a deleterious effect on protein structure/function; This variant is associated with the following publications: (PMID: 33645542)

PreventionGenetics, part of Exact Sciences
Classification: Uncertain significance for PLD1-related condition. Last evaluated: 2023-08-08. Review status: criteria provided, single submitter. Criteria: ACMG Guidelines, 2015. Collection method: clinical testing. Allele origin: germline.
Comment: The PLD1 c.2236C>T variant is predicted to result in the amino acid substitution p.Arg746Cys. This variant was reported in the compound heterozygous state in an individual with tricuspid valve defect and pulmonary valve defect (Lahrouchi et al. 2021. PubMed ID: 33645542). This variant is reported in 0.020% of alleles in individuals of Latino descent in gnomAD. At this time, the clinical significance of this variant is uncertain due to the absence of conclusive functional and genetic evidence.

Literature cited by the submitters: PubMed 33645542 (cited by Labcorp Genetics (formerly Invitae), Labcorp).

NM_002662.5(PLD1):c.2236C>T (p.Arg746Cys)

Gene: PLD1 (phospholipase D1; minus strand). Cytogenetic location: 3q26.31.
Variant type: single nucleotide variant.
Coding change: c.2236C>T on transcript NM_002662.5 (MANE Select); coding-DNA position 2236, C replaced by T.
Protein change: p.Arg746Cys; replaces arginine 746 with cysteine.
Molecular consequence: missense variant.
Genome position (GRCh38, 1-based): chr3:171,662,164, G>A on the plus strand (C>T on the coding strand, the complement: PLD1 is on the minus strand). VCF-style: chr3-171662164-G-A. GRCh37 (hg19) VCF-style: chr3-171379954-G-A.
Other names: c.2122C>T, p.Arg708Cys (NM_001130081.3); short protein forms R708C, R746C.
Identifiers: ClinVar variation 2634209 (VCV002634209.4), dbSNP rs745485055, ClinGen allele CA2704324.
Genomic context (GRCh38, chr3:171,662,164, plus strand): 5'-AAGCGGCGTGGATGGACTCTTCATGGTACTTTATACCAGCAGACCAATCAGCAGCAGAGC[G>A]GAGCAACTACAAGGCAGCAATCAGAAATGAACAAGTATTAGCAATGGAGAGGACATCAGA-3'
Protein context (NP_002653.1, residues 736-756): GSVHANVQLL[Arg746Cys]SAADWSAGIK